The following is an entry in ClinVar:

NM_003982.4(SLC7A7):c.954A>T (p.Leu318Phe)

Gene: SLC7A7 (solute carrier family 7 member 7; minus strand). Cytogenetic location: 14q11.2.
Variant type: single nucleotide variant.
Coding change: c.954A>T on transcript NM_003982.4 (MANE Select); coding-DNA position 954, A replaced by T.
Protein change: p.Leu318Phe; replaces leucine 318 with phenylalanine.
Molecular consequence: missense variant.
Genome position (GRCh38, 1-based): chr14:22,775,877, T>A on the plus strand (A>T on the coding strand, the complement: SLC7A7 is on the minus strand). VCF-style: chr14-22775877-T-A. GRCh37 (hg19) VCF-style: chr14-23245086-T-A.
Other names: c.954A>T, p.Leu318Phe (NM_001126105.3, NM_001126106.4); short protein forms L318F.
Identifiers: ClinVar variation 312819 (VCV000312819.18), dbSNP rs201534081, ClinGen allele CA7104535.

ClinVar aggregate classification (germline): Uncertain significance. Review status: criteria provided, multiple submitters, no conflicts (2 of 4 stars). 6 submissions from 6 submitters: Uncertain significance (5). 1 of the submissions does not count toward it. Last evaluated 2024-03-10.

Conditions:
Lysinuric protein intolerance (LPI). Identifiers: Orphanet 470, MedGen C0268647, MONDO:0009109, OMIM 222700.

Allele frequency attached by ClinVar (database versions not stated): TOPMed 0.00015; ExAC 0.00016; gnomAD 0.00017 and 0.00019; gnomAD exomes 0.00020; 1000 Genomes Project 0.00040; 1000 Genomes Project 30x 0.00047.
gnomAD v4.1: 327 of 1,614,134 alleles (0.02%); highest among the groups gnomAD compares: Admixed American, 0.045%; no homozygotes.

Submissions (6):

GeneDx
Classification: Uncertain significance. Last evaluated: 2024-03-10. Review status: criteria provided, single submitter. Criteria: GeneDx Variant Classification Process June 2021. Collection method: clinical testing. Allele origin: germline. Affected: yes.
Comment: In silico analysis supports that this missense variant has a deleterious effect on protein structure/function; Has not been previously published as pathogenic or benign to our knowledge

Fulgent Genetics
Classification: Uncertain significance for Lysinuric protein intolerance. Last evaluated: 2024-01-22. Review status: criteria provided, single submitter. Criteria: ACMG Guidelines, 2015. Collection method: clinical testing. Allele origin: germline.

Labcorp Genetics (formerly Invitae), Labcorp
Classification: Uncertain significance for Lysinuric protein intolerance. Last evaluated: 2022-09-19. Review status: criteria provided, single submitter. Criteria: Invitae Variant Classification Sherloc (09022015). Collection method: clinical testing. Allele origin: germline.
Comment: This sequence change replaces leucine, which is neutral and non-polar, with phenylalanine, which is neutral and non-polar, at codon 318 of the SLC7A7 protein (p.Leu318Phe). This variant is present in population databases (rs201534081, gnomAD 0.04%). This variant has not been reported in the literature in individuals affected with SLC7A7-related conditions. ClinVar contains an entry for this variant (Variation ID: 312819). Algorithms developed to predict the effect of missense changes on protein structure and function output the following: SIFT: "Tolerated"; PolyPhen-2: "Benign"; Align-GVGD: "Class C0". The phenylalanine amino acid residue is found in multiple mammalian species, which suggests that this missense change does not adversely affect protein function. In summary, the available evidence is currently insufficient to determine the role of this variant in disease. Therefore, it has been classified as a Variant of Uncertain Significance.

Genome-Nilou Lab
Classification: Uncertain significance for Lysinuric protein intolerance. Last evaluated: 2021-11-07. Review status: criteria provided, single submitter. Criteria: ACMG Guidelines, 2015. Collection method: clinical testing. Allele origin: germline. Affected: no.

Illumina Laboratory Services, Illumina
Classification: Uncertain significance for Lysinuric protein intolerance. Last evaluated: 2018-01-13. Review status: criteria provided, single submitter. Criteria: ICSL Variant Classification Criteria 13 December 2019. Collection method: clinical testing. Allele origin: germline.

Natera, Inc.
Classification: Uncertain significance for Lysinuric protein intolerance. Last evaluated: 2020-01-23. Review status: no assertion criteria provided. Collection method: clinical testing. Allele origin: germline. Not counted in ClinVar's aggregate classification.